The following is an entry in ClinVar:

ClinVar aggregate classification (germline): Likely benign (1 of 4 stars; one submission).

Allele frequency attached by ClinVar (database versions not stated): gnomAD 0.00034; TOPMed 0.00037; ESP Exome Variant Server 0.00044; gnomAD exomes 0.00053; ExAC 0.00058.

Submission:

CeGaT Center for Human Genetics Tuebingen
Classification: Likely benign. Last evaluated: 2023-04-01. Review status: criteria provided, single submitter. Criteria: CeGaT Center For Human Genetics Tuebingen Variant Classification Criteria Version 2. Collection method: clinical testing. Allele origin: germline. Affected: yes. Observed: 1 variant allele.
Comment: MAGEB6B: BS2

NM_001396029.1(MAGEB6B):c.844C>T (p.Leu282=)

Gene: MAGEB6B (MAGE family member B6B; plus strand). Cytogenetic location: Xp21.3.
Variant type: single nucleotide variant.
Coding change: c.844C>T on transcript NM_001396029.1 (MANE Select); coding-DNA position 844, C replaced by T.
Protein change: p.Leu282=; no amino-acid change (leucine 282 retained).
Molecular consequence: synonymous variant.
Genome position (GRCh38, 1-based): chrX:26,161,444, C>T. VCF-style: chrX-26161444-C-T. GRCh37 (hg19) VCF-style: chrX-26179561-C-T.
Identifiers: ClinVar variation 2660204 (VCV002660204.24), dbSNP rs368472650, ClinGen allele CA10374222.